The following is an entry in ClinVar:

ClinVar aggregate classification (germline): Benign. Review status: criteria provided, multiple submitters, no conflicts (2 of 4 stars). 5 submissions from 5 submitters: Benign (5). Last evaluated 2026-02-03.

Allele frequency attached by ClinVar (database versions not stated): TOPMed 0.06021; ESP Exome Variant Server 0.06159; 1000 Genomes Project 0.06490; 1000 Genomes Project 30x 0.06933.
gnomAD v4.1: 16,250 of 1,613,954 alleles (1%); highest among the groups gnomAD compares: African/African-American, 19%; 1,397 homozygotes.

Submissions (5):

Labcorp Genetics (formerly Invitae), Labcorp
Classification: Benign. Last evaluated: 2026-02-03. Review status: criteria provided, single submitter. Criteria: Invitae Variant Classification Sherloc (09022015). Collection method: clinical testing. Allele origin: germline.

ARUP Laboratories, Molecular Genetics and Genomics, ARUP Laboratories
Classification: Benign. Last evaluated: 2025-06-18. Review status: criteria provided, single submitter. Criteria: ARUP Molecular Germline Variant Investigation Process 2024. Collection method: clinical testing. Allele origin: germline.

GeneDx
Classification: Benign. Last evaluated: 2018-10-09. Review status: criteria provided, single submitter. Criteria: GeneDx Variant Classification Process June 2021. Collection method: clinical testing. Allele origin: germline. Affected: yes.

Women's Health and Genetics/Laboratory Corporation of America, LabCorp
Classification: Benign. Last evaluated: 2017-07-04. Review status: criteria provided, single submitter. Criteria: LabCorp Variant Classification Summary - May 2015. Collection method: clinical testing. Allele origin: germline.
Comment: Variant summary: The RASA2 c.2124A>T (p.Gln708His) variant involves the alteration of a non-conserved nucleotide. 4/4 in silico tools predict benign outcome for this variant. This variant was found in 2118/121234 control chromosomes (201 homozygotes) from ExAC, predominantly observed in the African subpopulation at a frequency of 0.190179 (1979/10406). This frequency is about 38036 times the estimated maximal expected allele frequency of a pathogenic RASA2 variant (0.000005), suggesting this is a common benign polymorphism found in the populations of African origin. The variant has not been published in literature. Taken together, this variant is classified as benign.

Breakthrough Genomics
Classification: Benign. Review status: criteria provided, single submitter. Criteria: ACMG Guidelines, 2015. Collection method: not provided. Allele origin: germline. Inheritance: Unknown mechanism. Affected: yes.

NM_006506.5(RASA2):c.2124A>T (p.Gln708His)

Gene: RASA2 (RAS p21 protein activator 2; plus strand). Cytogenetic location: 3q23.
Variant type: single nucleotide variant.
Coding change: c.2124A>T on transcript NM_006506.5 (MANE Select); coding-DNA position 2124, A replaced by T.
Protein change: p.Gln708His; replaces glutamine 708 with histidine.
Molecular consequence: missense variant.
Genome position (GRCh38, 1-based): chr3:141,608,596, A>T. VCF-style: chr3-141608596-A-T. GRCh37 (hg19) VCF-style: chr3-141327438-A-T.
Other names: c.2127A>T, p.Gln709His (NM_001303245.3); c.2136A>T, p.Gln712His (NM_001303246.3); short protein forms Q708H, Q709H, Q712H.
Identifiers: ClinVar variation 496320 (VCV000496320.56), dbSNP rs61750362, ClinGen allele CA2645747.